The following is an entry in ClinVar:

ClinVar aggregate classification (germline): Uncertain significance (1 of 4 stars; one submission).

Conditions:
Wilms tumor 1 (WT1). Also called: Wilms tumor, somatic. Identifiers: Orphanet 654, MedGen CN033288, MONDO:0008679, OMIM 194070.

Submission:

Labcorp Genetics (formerly Invitae), Labcorp
Classification: Uncertain significance for Wilms tumor 1. Last evaluated: 2025-01-02. Review status: criteria provided, single submitter. Criteria: Invitae Variant Classification Sherloc (09022015). Collection method: clinical testing. Allele origin: germline.
Comment: This sequence change replaces glycine, which is neutral and non-polar, with serine, which is neutral and polar, at codon 186 of the GPC3 protein (p.Gly186Ser). This variant is not present in population databases (gnomAD no frequency). This variant has not been reported in the literature in individuals affected with GPC3-related conditions. Invitae Evidence Modeling of protein sequence and biophysical properties (such as structural, functional, and spatial information, amino acid conservation, physicochemical variation, residue mobility, and thermodynamic stability) indicates that this missense variant is not expected to disrupt GPC3 protein function with a negative predictive value of 80%. In summary, the available evidence is currently insufficient to determine the role of this variant in disease. Therefore, it has been classified as a Variant of Uncertain Significance.

NM_004484.4(GPC3):c.556G>A (p.Gly186Ser)

Gene: GPC3 (glypican 3; minus strand). Cytogenetic location: Xq26.2.
Variant type: single nucleotide variant.
Coding change: c.556G>A on transcript NM_004484.4 (MANE Select); coding-DNA position 556, G replaced by A.
Protein change: p.Gly186Ser; replaces glycine 186 with serine.
Molecular consequence: missense variant.
Genome position (GRCh38, 1-based): chrX:133,753,958, C>T on the plus strand (G>A on the coding strand, the complement: GPC3 is on the minus strand). VCF-style: chrX-133753958-C-T. GRCh37 (hg19) VCF-style: chrX-132887985-C-T.
Other names: c.556G>A, p.Gly186Ser (NM_001164617.2); c.508G>A, p.Gly170Ser (NM_001164618.2); c.394G>A, p.Gly132Ser (NM_001164619.2); short protein forms G186S, G132S, G170S.
Identifiers: ClinVar variation 3710713 (VCV003710713.2).
Genomic context (GRCh38, chrX:133,753,958, plus strand): 5'-TCAGGTCACGTCTTGCTCCTCGGAGGCACTCATTGATGTCCAAGGCTGAATCAGGCAGGC[C>T]TGGGTTCATTAGCTGGGTATAGATGACTGGAAACAGGCTGTCAAACAATTCATTGACCAT-3'
Protein context (NP_004475.1, residues 176-196): PVIYTQLMNP[Gly186Ser]LPDSALDINE